The following is an entry in ClinVar:

NM_022370.4(ROBO3):c.726G>C (p.Ala242=)

Gene: ROBO3 (roundabout guidance receptor 3; plus strand). Cytogenetic location: 11q24.2.
Variant type: single nucleotide variant.
Coding change: c.726G>C on transcript NM_022370.4 (MANE Select); coding-DNA position 726, G replaced by C.
Protein change: p.Ala242=; no amino-acid change (alanine 242 retained).
Molecular consequence: synonymous variant.
Genome position (GRCh38, 1-based): chr11:124,870,028, G>C. VCF-style: chr11-124870028-G-C. GRCh37 (hg19) VCF-style: chr11-124739924-G-C.
Identifiers: ClinVar variation 303227 (VCV000303227.34), dbSNP rs115272137, ClinGen allele CA6343254.

ClinVar aggregate classification (germline): Benign. Review status: criteria provided, multiple submitters, no conflicts (2 of 4 stars). 4 submissions from 4 submitters: Benign (4). Last evaluated 2026-09-01.

Conditions:
Gaze palsy, familial horizontal, with progressive scoliosis 1 (HGPPS1). Identifiers: Orphanet 2744, MedGen C4551964, MONDO:0020790, OMIM 607313.

Allele frequency attached by ClinVar (database versions not stated): ESP Exome Variant Server 0.00511; gnomAD 0.00604 and 0.00635; TOPMed 0.00739; 1000 Genomes Project 0.00759; 1000 Genomes Project 30x 0.00812.

Submissions (4):

CeGaT Center for Human Genetics Tuebingen
Classification: Benign. Last evaluated: 2026-09-01. Review status: criteria provided, single submitter. Criteria: CeGaT Center For Human Genetics Tuebingen Variant Classification Criteria Version 2. Collection method: clinical testing. Allele origin: germline. Affected: yes. Observed: 3 variant alleles.
Comment: ROBO3: BS1, BS2

Labcorp Genetics (formerly Invitae), Labcorp
Classification: Benign. Last evaluated: 2019-12-31. Review status: criteria provided, single submitter. Criteria: Invitae Variant Classification Sherloc (09022015). Collection method: clinical testing. Allele origin: germline.

Illumina Laboratory Services, Illumina
Classification: Benign for Gaze palsy, familial horizontal, with progressive scoliosis 1. Last evaluated: 2018-01-12. Review status: criteria provided, single submitter. Criteria: ICSL Variant Classification Criteria 13 December 2019. Collection method: clinical testing. Allele origin: germline.
Comment: This variant was observed in the ICSL laboratory as part of a predisposition screen in an ostensibly healthy population. It had not been previously curated by ICSL or reported in the Human Gene Mutation Database (HGMD: prior to June 1st, 2018), and was therefore a candidate for classification through an automated scoring system. Utilizing variant allele frequency, disease prevalence and penetrance estimates, and inheritance mode, an automated score was calculated to assess if this variant is too frequent to cause the disease. Based on the score and internal cut-off values, a variant classified as benign is not then subjected to further curation. The score for this variant resulted in a classification of benign for this disease.

Breakthrough Genomics
Classification: Benign. Review status: criteria provided, single submitter. Criteria: ACMG Guidelines, 2015. Collection method: not provided. Allele origin: germline. Inheritance: Autosomal recessive inheritance. Affected: yes.